The following is an entry in ClinVar:

NM_001142864.4(PIEZO1):c.4246G>A (p.Gly1416Arg)

Gene: PIEZO1 (piezo type mechanosensitive ion channel component 1 (Er blood group); minus strand). Cytogenetic location: 16q24.3.
Variant type: single nucleotide variant.
Coding change: c.4246G>A on transcript NM_001142864.4 (MANE Select); coding-DNA position 4246, G replaced by A.
Protein change: p.Gly1416Arg; replaces glycine 1416 with arginine.
Molecular consequence: missense variant.
Genome position (GRCh38, 1-based): chr16:88,723,960, C>T on the plus strand (G>A on the coding strand, the complement: PIEZO1 is on the minus strand). VCF-style: chr16-88723960-C-T. GRCh37 (hg19) VCF-style: chr16-88790368-C-T.
Other names: c.2788G>A, p.Gly930Arg (NM_014745.1); c.4246G>A (NM_001142864.3); short protein forms G1416R, G930R.
Identifiers: ClinVar variation 2576248 (VCV002576248.4), dbSNP rs771605269, ClinGen allele CA286411896.

ClinVar aggregate classification (germline): Uncertain significance. Review status: criteria provided, multiple submitters, no conflicts (2 of 4 stars). 4 submissions from 4 submitters: Uncertain significance (4). Last evaluated 2026-05-22.

Conditions:
Lymphatic malformation 6 (LMPHM6). Also called: GENERALIZED LYMPHATIC DYSPLASIA OF FOTIOU; Lymphedema, hereditary, III; PIEZO1-related generalized lymphatic dysplasia with non-immune hydrops fetalis. Identifiers: Orphanet 568062, MedGen C4225184, MONDO:0014797, OMIM 616843.
PIEZO1-related disorder. Also called: PIEZO1-related condition; PIEZO1-Related Disorders.

gnomAD v4.1: 47 of 1,545,198 alleles (0.003%); highest among the groups gnomAD compares: South Asian, 0.0095%; no homozygotes.

Submissions (4):

PreventionGenetics, part of Exact Sciences
Classification: Uncertain significance for PIEZO1-related condition. Last evaluated: 2026-05-22. Review status: criteria provided, single submitter. Criteria: ACMG Guidelines, 2015. Collection method: clinical testing. Allele origin: germline.
Comment: The PIEZO1 c.4246G>A variant is predicted to result in the amino acid substitution p.Gly1416Arg. This variant, along with a variant in CFH, has been reported in an individual with congenital hemolytic anemia with unexplained hemolysis (P38, Mansour-Hendili et al. 2020. PubMed ID: 32641076). This variant is reported in 0.0066% of alleles in individuals of European (Non-Finnish) descent in gnomAD. At this time, the clinical significance of this variant is uncertain due to the absence of conclusive functional and genetic evidence.

Clinical Genomics Laboratory, Washington University in St. Louis
Classification: Uncertain significance for Lymphatic malformation 6. Last evaluated: 2026-02-22. Review status: criteria provided, single submitter. Criteria: ACMG Guidelines, 2015. Collection method: clinical testing. Allele origin: germline.
Comment: A PIEZO1 c.4246G>A (p.Gly1416Arg) variant was identified at a heterozygous allelic fraction of 50%, a frequency which may be consistent with germline origin. This variant has been reported in the literature in a heterozygous state in an individual with congenital hemolytic anemia (Mansour-Hendili L et al., PMID: 32641076) but to our knowledge has not been reported in overgrowth conditions or vascular anomalies. It is only observed on 47/1,545,198 alleles in the general population (gnomAD v4.1.0), indicating it is not a common variant. Computational predictors indicate that the variant is damaging, evidence that correlates with impact to PIEZO1 function. Due to limited information, and based on ACMG/AMP guidelines for variant interpretation (Richards S et al., PMID: 25741868), the clinical significance of this variant is uncertain at this time.

Center for Genomic Medicine, Rigshospitalet, Copenhagen University Hospital
Classification: Uncertain significance. Last evaluated: 2025-03-04. Review status: criteria provided, single submitter. Criteria: ACMG Guidelines, 2015. Collection method: clinical testing. Allele origin: germline.

ARUP Laboratories, Molecular Genetics and Genomics, ARUP Laboratories
Classification: Uncertain significance. Last evaluated: 2024-01-26. Review status: criteria provided, single submitter. Criteria: ARUP Molecular Germline Variant Investigation Process 2024. Collection method: clinical testing. Allele origin: germline.

Literature cited by the submitters: PubMed 32641076 (cited by Center for Genomic Medicine, Rigshospitalet, Copenhagen University Hospital).